The following is an entry in ClinVar:

NM_024649.5(BBS1):c.1432dup (p.Leu478fs)

Genes: BBS1 (Bardet-Biedl syndrome 1; plus strand), ZDHHC24 (zDHHC palmitoyltransferase 24; minus strand). Cytogenetic location: 11q13.2.
Variant type: Duplication.
Coding change: c.1432dup on transcript NM_024649.5 (MANE Select); coding-DNA position 1432, one base duplicated (C; older notation c.1432dupC).
Protein change: p.Leu478fs; shifts the reading frame from leucine 478.
Molecular consequence: frameshift variant. On other transcripts: intron variant (1).
Genome position (GRCh38, 1-based): chr11:66,529,911, C duplicated; the last of 5 consecutive C bases (chr11:66,529,907-66,529,911); duplicating any one gives the same sequence. VCF-style (leftmost placement, unchanged base first): chr11-66529906-G-GC. GRCh37 (hg19) VCF-style: chr11-66297377-G-GC.
Other names: c.560-419dup (NM_001348571.2); short protein forms L478fs.
Identifiers: ClinVar variation 2849403 (VCV002849403.3), dbSNP rs2495830848, ClinGen allele CA2739270566.

ClinVar aggregate classification (germline): Pathogenic (1 of 4 stars; one submission).

Conditions:
Bardet-Biedl syndrome (BBS). Identifiers: Orphanet 110, MedGen C0752166, MONDO:0015229.

Submission:

Labcorp Genetics (formerly Invitae), Labcorp
Classification: Pathogenic for Bardet-Biedl syndrome. Last evaluated: 2023-04-08. Review status: criteria provided, single submitter. Criteria: Invitae Variant Classification Sherloc (09022015). Collection method: clinical testing. Allele origin: germline.
Comment: For these reasons, this variant has been classified as Pathogenic. This variant has not been reported in the literature in individuals affected with BBS1-related conditions. This variant is not present in population databases (gnomAD no frequency). This sequence change creates a premature translational stop signal (p.Leu478Profs*23) in the BBS1 gene. It is expected to result in an absent or disrupted protein product. Loss-of-function variants in BBS1 are known to be pathogenic (PMID: 12118255, 21520335, 27032803).

Literature cited by the submitters: PubMed 12118255; PubMed 21520335; PubMed 27032803.